The following is an entry in ClinVar:

NM_004006.3(DMD):c.7418C>T (p.Ala2473Val)

Gene: DMD (dystrophin; minus strand). Cytogenetic location: Xp21.1.
Variant type: single nucleotide variant.
Coding change: c.7418C>T on transcript NM_004006.3 (MANE Select); coding-DNA position 7418, C replaced by T.
Protein change: p.Ala2473Val; replaces alanine 2473 with valine.
Molecular consequence: missense variant.
Genome position (GRCh38, 1-based): chrX:31,774,084, G>A on the plus strand (C>T on the coding strand, the complement: DMD is on the minus strand). VCF-style: chrX-31774084-G-A. GRCh37 (hg19) VCF-style: chrX-31792201-G-A.
Other names: c.7394C>T, p.Ala2465Val (NM_000109.4); c.7406C>T, p.Ala2469Val (NM_004009.3); c.7049C>T, p.Ala2350Val (NM_004010.3); c.3395C>T, p.Ala1132Val (NM_004011.4); c.3386C>T, p.Ala1129Val (NM_004012.4); c.38C>T, p.Ala13Val (NM_004013.3, NM_004020.4, NM_004021.3 and 2 more transcripts); short protein forms A2350V, A2473V, A2469V, A1132V, A2465V, A1129V, A13V.
Identifiers: ClinVar variation 2897622 (VCV002897622.4), dbSNP rs2530840111, ClinGen allele CA412658971.
Genomic context (GRCh38, chrX:31,774,084, plus strand): 5'-ATAACTTGATCAAGCAGAGAAAGCCAGTCGGTAAGTTCTGTCCAAGCCCGGTTGAAATCT[G>A]CCAGAGCAGGTACCTCCAACATCAAGGAAGATGGCATTTCTAGTTTGGAGATGGCAGTTT-3'
Protein context (NP_003997.2, residues 2463-2483): SSLMLEVPAL[Ala2473Val]DFNRAWTELT

ClinVar aggregate classification (germline): Uncertain significance. Review status: criteria provided, multiple submitters, no conflicts (2 of 4 stars). 2 submissions from 2 submitters: Uncertain significance (2). Last evaluated 2025-02-27.

Conditions:
Duchenne muscular dystrophy (DMD). Also called: MUSCULAR DYSTROPHY, PSEUDOHYPERTROPHIC PROGRESSIVE, DUCHENNE TYPE; Duchenne Muscular Dystrophy (DMD). Identifiers: Orphanet 98896, MedGen C0013264, MONDO:0010679, OMIM 310200.

Allele frequency attached by ClinVar (database versions not stated): gnomAD exomes below 0.00001.
gnomAD v4.1: 3 of 1,210,564 alleles (0.00025%); highest among the groups gnomAD compares: Non-Finnish European, 0.00034%; no homozygotes.

Submissions (2):

Women's Health and Genetics/Laboratory Corporation of America, LabCorp
Classification: Uncertain significance. Last evaluated: 2025-02-27. Review status: criteria provided, single submitter. Criteria: LabCorp Variant Classification Summary - May 2015. Collection method: clinical testing. Allele origin: germline.
Comment: Variant summary: DMD c.7418C>T (p.Ala2473Val) results in a non-conservative amino acid change in the encoded protein sequence. Three of five in-silico tools predict a damaging effect of the variant on protein function. The variant was absent in 183247 control chromosomes (gnomAD). The available data on variant occurrences in the general population are insufficient to allow any conclusion about variant significance. To our knowledge, no occurrence of c.7418C>T in individuals affected with Duchenne Muscular Dystrophy and no experimental evidence demonstrating its impact on protein function have been reported. ClinVar contains an entry for this variant (Variation ID: 2897622). Based on the evidence outlined above, the variant was classified as uncertain significance.

Labcorp Genetics (formerly Invitae), Labcorp
Classification: Uncertain significance for Duchenne muscular dystrophy. Last evaluated: 2023-05-13. Review status: criteria provided, single submitter. Criteria: Invitae Variant Classification Sherloc (09022015). Collection method: clinical testing. Allele origin: germline.
Comment: In summary, the available evidence is currently insufficient to determine the role of this variant in disease. Therefore, it has been classified as a Variant of Uncertain Significance. Advanced modeling of protein sequence and biophysical properties (such as structural, functional, and spatial information, amino acid conservation, physicochemical variation, residue mobility, and thermodynamic stability) performed at Invitae indicates that this missense variant is not expected to disrupt DMD protein function. This variant has not been reported in the literature in individuals affected with DMD-related conditions. This variant is not present in population databases (gnomAD no frequency). This sequence change replaces alanine, which is neutral and non-polar, with valine, which is neutral and non-polar, at codon 2473 of the DMD protein (p.Ala2473Val).